The following is an entry in ClinVar:

ClinVar aggregate classification (germline): Uncertain significance (1 of 4 stars; one submission).

Conditions:
Inborn genetic diseases. Identifiers: MedGen C0950123, MeSH D030342.

Submission:

Ambry Genetics
Classification: Uncertain significance for Inborn genetic diseases. Last evaluated: 2026-04-22. Review status: criteria provided, single submitter. Criteria: Ambry Variant Classification Scheme 2023. Collection method: clinical testing. Allele origin: germline.
Comment: The p.N977H variant (also known as c.2929A>C), located in coding exon 1 of the SAMD9 gene, results from an A to C substitution at nucleotide position 2929. The asparagine at codon 977 is replaced by histidine, an amino acid with similar properties. This amino acid position is conserved. In addition, this alteration is predicted to be tolerated by in silico analysis. Based on the available evidence, the clinical significance of this variant remains unclear.

NM_017654.4(SAMD9):c.2929A>C (p.Asn977His)

Gene: SAMD9 (sterile alpha motif domain containing 9; minus strand). Cytogenetic location: 7q21.2.
Variant type: single nucleotide variant.
Coding change: c.2929A>C on transcript NM_017654.4 (MANE Select); coding-DNA position 2929, A replaced by C.
Protein change: p.Asn977His; replaces asparagine 977 with histidine.
Molecular consequence: missense variant.
Genome position (GRCh38, 1-based): chr7:93,103,169, T>G on the plus strand (A>C on the coding strand, the complement: SAMD9 is on the minus strand). VCF-style: chr7-93103169-T-G. GRCh37 (hg19) VCF-style: chr7-92732482-T-G.
Other names: c.2929A>C, p.Asn977His (NM_001193307.2); short protein forms N977H.
Identifiers: ClinVar variation 4863830 (VCV004863830.1).